The following is an entry in ClinVar:

ClinVar aggregate classification (germline): Pathogenic (0 of 4 stars; one submission).

Conditions:
Hereditary breast ovarian cancer syndrome. Also called: Hereditary breast and ovarian cancer syndrome (HBOC); Breast and ovarian cancer; BRCA1- and BRCA2-Associated Hereditary Breast and Ovarian Cancer; Hereditary breast and/or ovarian cancer syndrome; Hereditary breast and ovarian cancer; Hereditary breast and ovarian cancer syndrome. Identifiers: Orphanet 145, MedGen C0677776, MeSH D061325, MONDO:0003582. Disease mechanism: loss of function.

Submission:

Genomics Laboratory, Virgen de la Arrixaca University Clinical Hospital
Classification: Pathogenic for Hereditary breast ovarian cancer syndrome. Last evaluated: 2017-07-11. Review status: no assertion criteria provided. Collection method: clinical testing. Allele origin: unknown. Affected: yes.
Comment: This variant produces a truncated protein with a lost of 76% of the total protein.

NM_032043.3(BRIP1):c.886G>T (p.Glu296Ter)

Gene: BRIP1 (BRCA1 interacting DNA helicase 1; minus strand). Cytogenetic location: 17q23.2.
Variant type: single nucleotide variant.
Coding change: c.886G>T on transcript NM_032043.3 (MANE Select); coding-DNA position 886, G replaced by T.
Protein change: p.Glu296Ter; replaces glutamic acid 296 with a stop codon.
Molecular consequence: nonsense.
Genome position (GRCh38, 1-based): chr17:61,808,499, C>A on the plus strand (G>T on the coding strand, the complement: BRIP1 is on the minus strand). VCF-style: chr17-61808499-C-A. GRCh37 (hg19) VCF-style: chr17-59885860-C-A.
Other names: short protein forms E296*.
Identifiers: ClinVar variation 430641 (VCV000430641.3), dbSNP rs876660125, ClinGen allele CA400484703.